The following is an entry in ClinVar:

NM_001330701.2(AGTPBP1):c.1440C>T (p.Asn480=)

Gene: AGTPBP1 (ATP/GTP binding carboxypeptidase 1; minus strand). Cytogenetic location: 9q21.33.
Variant type: single nucleotide variant.
Coding change: c.1440C>T on transcript NM_001330701.2 (MANE Select); coding-DNA position 1440, C replaced by T.
Protein change: p.Asn480=; no amino-acid change (asparagine 480 retained).
Molecular consequence: synonymous variant.
Genome position (GRCh38, 1-based): chr9:85,633,237, G>A on the plus strand (C>T on the coding strand, the complement: AGTPBP1 is on the minus strand). VCF-style: chr9-85633237-G-A. GRCh37 (hg19) VCF-style: chr9-88248152-G-A.
Other names: c.1596C>T, p.Asn532= (NM_001286715.1); c.1476C>T, p.Asn492= (NM_001286717.1); c.1320C>T, p.Asn440= (NM_015239.3).
Identifiers: ClinVar variation 4988712 (VCV004988712.1).

ClinVar aggregate classification (germline): Likely benign (1 of 4 stars; one submission).

Conditions:
AGTPBP1-related disorder. Also called: AGTPBP1-related condition.

gnomAD v4.1: 18 of 1,613,768 alleles (0.0011%); highest among the groups gnomAD compares: African/African-American, 0.021%; no homozygotes.

Submission:

PreventionGenetics, part of Exact Sciences
Classification: Likely benign for AGTPBP1-related condition. Last evaluated: 2026-08-14. Review status: criteria provided, single submitter. Criteria: ACMG Guidelines, 2015. Collection method: clinical testing. Allele origin: germline.
Comment: This variant is classified as likely benign based on ACMG/AMP sequence variant interpretation guidelines (Richards et al. 2015 PMID: 25741868, with internal and published modifications).